The following is an entry in ClinVar:

NM_006767.4(LZTR1):c.320+1G>T

Gene: LZTR1 (leucine zipper like post translational regulator 1; plus strand). Cytogenetic location: 22q11.21.
Variant type: single nucleotide variant.
Coding change: c.320+1G>T on transcript NM_006767.4 (MANE Select); the canonical splice donor site of the intron after coding-DNA position 320, G replaced by T.
Molecular consequence: splice donor variant.
Genome position (GRCh38, 1-based): chr22:20,985,898, G>T. VCF-style: chr22-20985898-G-T. GRCh37 (hg19) VCF-style: chr22-21340187-G-T.
Identifiers: ClinVar variation 3541484 (VCV003541484.3).
Genomic context (GRCh38, chr22:20,985,898, plus strand): 5'-CAGGAAGACCATGCTCAATGACCTCCTGCGGTTCGATGTGAAAGACTGCTCCTGGTGCAG[G>T]TGGGTGGCCCCGTGCTCCAGGGCCCTGCCTTTCCTCCTAGAACACAGTGGCACAGTGCTG-3'

ClinVar aggregate classification (germline): Conflicting classifications of pathogenicity. Review status: criteria provided, conflicting classifications (1 of 4 stars). 2 submissions from 2 submitters: Likely pathogenic (1); Uncertain significance (1). Last evaluated 2025-09-17.

Conditions:
Hereditary cancer-predisposing syndrome. Also called: Hereditary Cancer Syndrome; Hereditary neoplastic syndrome; Tumor predisposition; Neoplastic Syndromes, Hereditary. Identifiers: Orphanet 140162, MedGen C0027672, MeSH D009386, MONDO:0015356.
Cardiovascular phenotype. Identifiers: MedGen CN230736.

Submissions (2):

Ambry Genetics
Classification: Uncertain significance for Cardiovascular phenotype; Hereditary cancer-predisposing syndrome. Last evaluated: 2025-09-17. Review status: criteria provided, single submitter. Criteria: Ambry Variant Classification Scheme 2023. Collection method: clinical testing. Allele origin: germline.
Comment: The c.320+1G>T intronic variant results from a G to T substitution one nucleotide after coding exon 3 of the LZTR1 gene. Alterations that disrupt the canonical splice site are expected to result in aberrant splicing. In silico splice site analysis predicts that this alteration will weaken the native splice donor site. A resulting transcript is predicted to be in-frame and is not expected to trigger nonsense-mediated mRNA decay; however, direct evidence is insufficient at this time. This nucleotide position is highly conserved in available vertebrate species. Based on the available evidence, the clinical significance of this variant remains unclear.

Labcorp Genetics (formerly Invitae), Labcorp
Classification: Likely pathogenic. Last evaluated: 2025-08-18. Review status: criteria provided, single submitter. Criteria: Invitae Variant Classification Sherloc (09022015). Collection method: clinical testing. Allele origin: germline.
Comment: This sequence change affects a donor splice site in intron 3 of the LZTR1 gene. It is expected to disrupt RNA splicing. Variants that disrupt the donor or acceptor splice site typically lead to a loss of protein function (PMID: 16199547), and loss-of-function variants in LZTR1 are known to be pathogenic (PMID: 24362817, 25335493, 25480913, 25795793, 29469822, 30368668, 30442762, 30442766, 30481304, 30859559). This variant is not present in population databases (gnomAD no frequency). This variant has not been reported in the literature in individuals affected with LZTR1-related conditions. ClinVar contains an entry for this variant (Variation ID: 3541484). Algorithms developed to predict the effect of sequence changes on RNA splicing suggest that this variant may disrupt the consensus splice site. In summary, the currently available evidence indicates that the variant is pathogenic, but additional data are needed to prove that conclusively. Therefore, this variant has been classified as Likely Pathogenic.

Literature cited by the submitters: PubMed 16199547 (cited by Labcorp Genetics (formerly Invitae), Labcorp); PubMed 24362817 (cited by Labcorp Genetics (formerly Invitae), Labcorp); PubMed 25335493 (cited by Labcorp Genetics (formerly Invitae), Labcorp); PubMed 25480913 (cited by Labcorp Genetics (formerly Invitae), Labcorp); PubMed 25795793 (cited by Labcorp Genetics (formerly Invitae), Labcorp); PubMed 29469822 (cited by Labcorp Genetics (formerly Invitae), Labcorp); PubMed 30368668 (cited by Labcorp Genetics (formerly Invitae), Labcorp); PubMed 30442762 (cited by Labcorp Genetics (formerly Invitae), Labcorp); PubMed 30442766 (cited by Labcorp Genetics (formerly Invitae), Labcorp); PubMed 30481304 (cited by Labcorp Genetics (formerly Invitae), Labcorp); PubMed 30859559 (cited by Labcorp Genetics (formerly Invitae), Labcorp).